The following is an entry in ClinVar:

ClinVar aggregate classification (germline): Pathogenic/Likely pathogenic. Review status: criteria provided, multiple submitters, no conflicts (2 of 4 stars). 2 submissions from 2 submitters: Pathogenic (1); Likely pathogenic (1). Last evaluated 2024-05-07.

Conditions:
PCDH15-related disorder. Also called: PCDH15-related disorders; PCDH15-related condition.

Allele frequency attached by ClinVar (database versions not stated): TOPMed below 0.00001; gnomAD 0.00001.
gnomAD v4.1: 2 of 1,613,996 alleles (0.00012%); highest among the groups gnomAD compares: Non-Finnish European, 0.00017%; no homozygotes.

Submissions (2):

Labcorp Genetics (formerly Invitae), Labcorp
Classification: Pathogenic. Last evaluated: 2024-05-07. Review status: criteria provided, single submitter. Criteria: Invitae Variant Classification Sherloc (09022015). Collection method: clinical testing. Allele origin: germline.
Comment: This sequence change creates a premature translational stop signal (p.Arg1414*) in the PCDH15 gene. It is expected to result in an absent or disrupted protein product. Loss-of-function variants in PCDH15 are known to be pathogenic (PMID: 11398101, 11487575, 14570705). This variant is not present in population databases (gnomAD no frequency). This variant has not been reported in the literature in individuals affected with PCDH15-related conditions. ClinVar contains an entry for this variant (Variation ID: 1069601). For these reasons, this variant has been classified as Pathogenic.

Blueprint Genetics
Classification: Likely pathogenic for PCDH15-related disorders. Last evaluated: 2018-05-24. Review status: criteria provided, single submitter. Criteria: ACMG Guidelines, 2015. Collection method: clinical testing. Allele origin: germline. Affected: yes. Observed: 1 variant allele.

Literature cited by the submitters: PubMed 11398101 (cited by Labcorp Genetics (formerly Invitae), Labcorp); PubMed 11487575 (cited by Labcorp Genetics (formerly Invitae), Labcorp); PubMed 14570705 (cited by Labcorp Genetics (formerly Invitae), Labcorp).

NM_001384140.1(PCDH15):c.4240C>T (p.Arg1414Ter)

Gene: PCDH15 (protocadherin related 15; minus strand). Cytogenetic location: 10q21.1.
Variant type: single nucleotide variant.
Coding change: c.4240C>T on transcript NM_001384140.1 (MANE Select); coding-DNA position 4240, C replaced by T.
Protein change: p.Arg1414Ter; replaces arginine 1414 with a stop codon.
Molecular consequence: nonsense.
Genome position (GRCh38, 1-based): chr10:53,827,520, G>A on the plus strand (C>T on the coding strand, the complement: PCDH15 is on the minus strand). VCF-style: chr10-53827520-G-A. GRCh37 (hg19) VCF-style: chr10-55587280-G-A.
Other names: c.4255C>T, p.Arg1419Ter (NM_001142763.2, NM_001142771.2); c.4240C>T, p.Arg1414Ter (NM_001142764.2, NM_001142770.3, NM_001142772.2 and 3 more transcripts); c.4027C>T, p.Arg1343Ter (NM_001142765.2); c.4231C>T, p.Arg1411Ter (NM_001142766.2); c.4120C>T, p.Arg1374Ter (NM_001142767.2); c.4174C>T, p.Arg1392Ter (NM_001142768.2, NM_001354404.2); c.4276C>T, p.Arg1426Ter (NM_001142769.4); c.4165C>T, p.Arg1389Ter (NM_001142773.2); and 1 more; short protein forms R1343*, R1374*, R1389*, R1392*, R1411*, R1414*, R1419*, R1421*.
Identifiers: ClinVar variation 1069601 (VCV001069601.8), dbSNP rs1421575182, ClinGen allele CA376527796.
Genomic context (GRCh38, chr10:53,827,520, plus strand): 5'-CTGCCACTGGTGCAGGAGCCGGCACTGCTGGTTTAGCCGCGGGTAATGCGGCCTGAATTC[G>A]TGCAGTCTTTGTACACTCAGCTTGACGTCTTGGATAAAGTAAGGATGGCTTGTAAAACTC-3'